The following is an entry in ClinVar:

NM_006080.3(SEMA3A):c.710A>G (p.Asn237Ser)

Gene: SEMA3A (semaphorin 3A; minus strand). Cytogenetic location: 7q21.11.
Variant type: single nucleotide variant.
Coding change: c.710A>G on transcript NM_006080.3 (MANE Select); coding-DNA position 710, A replaced by G.
Protein change: p.Asn237Ser; replaces asparagine 237 with serine.
Molecular consequence: missense variant.
Genome position (GRCh38, 1-based): chr7:84,014,309, T>C on the plus strand (A>G on the coding strand, the complement: SEMA3A is on the minus strand). VCF-style: chr7-84014309-T-C. GRCh37 (hg19) VCF-style: chr7-83643625-T-C.
Other names: short protein forms N237S.
Identifiers: ClinVar variation 3053912 (VCV003053912.2), dbSNP rs146698230, ClinGen allele CA4322933.

ClinVar aggregate classification (germline): Likely benign (0 of 4 stars; one submission).

Conditions:
SEMA3A-related disorder. Also called: SEMA3A-related condition.

Allele frequency attached by ClinVar (database versions not stated): TOPMed 0.00004; ESP Exome Variant Server 0.00008.
gnomAD v4.1: 55 of 1,612,332 alleles (0.0034%); highest among the groups gnomAD compares: South Asian, 0.013%; no homozygotes.

Submission:

PreventionGenetics, part of Exact Sciences
Classification: Likely benign for SEMA3A-related condition. Last evaluated: 2022-08-24. Review status: no assertion criteria provided. Collection method: clinical testing. Allele origin: germline.
Comment: This variant is classified as likely benign based on ACMG/AMP sequence variant interpretation guidelines (Richards et al. 2015 PMID: 25741868, with internal and published modifications).